The following is an entry in ClinVar:

NM_007118.4(TRIO):c.3503C>T (p.Thr1168Met)

Gene: TRIO (trio Rho guanine nucleotide exchange factor; plus strand). Cytogenetic location: 5p15.2.
Variant type: single nucleotide variant.
Coding change: c.3503C>T on transcript NM_007118.4 (MANE Select); coding-DNA position 3503, C replaced by T.
Protein change: p.Thr1168Met; replaces threonine 1168 with methionine.
Molecular consequence: missense variant. On other transcripts: non-coding transcript variant (1).
Genome position (GRCh38, 1-based): chr5:14,381,185, C>T. VCF-style: chr5-14381185-C-T. GRCh37 (hg19) VCF-style: chr5-14381294-C-T.
Other names: short protein forms T1168M.
Identifiers: ClinVar variation 1696876 (VCV001696876.3), dbSNP rs779970506, ClinGen allele CA3206193.
Genomic context (GRCh38, chr5:14,381,185, plus strand): 5'-TCCAGGCTTTGGAATGGATCCATGACAATGGCGAGTTCTACCTTTCCACACACACCTCCA[C>T]GGGCTCCAGTATACAGCACACCCAGGAGCTCCTGAAAGAGCACGAGGAGTTCCAGATAAC-3'
Protein context (NP_009049.2, residues 1158-1178): GEFYLSTHTS[Thr1168Met]GSSIQHTQEL

ClinVar aggregate classification (germline): Uncertain significance (1 of 4 stars; one submission).

Allele frequency attached by ClinVar (database versions not stated): ExAC 0.00002; gnomAD exomes 0.00002; TOPMed 0.00003; gnomAD 0.00004.
gnomAD v4.1: 14 of 1,614,150 alleles (0.00087%); highest among the groups gnomAD compares: Admixed American, 0.0067%; no homozygotes.

Submission:

GeneDx
Classification: Uncertain significance. Last evaluated: 2023-10-10. Review status: criteria provided, single submitter. Criteria: GeneDx Variant Classification Process June 2021. Collection method: clinical testing. Allele origin: germline. Affected: yes.
Comment: In silico analysis supports that this missense variant has a deleterious effect on protein structure/function; Has not been previously published as pathogenic or benign to our knowledge